The following is an entry in ClinVar:

ClinVar aggregate classification (germline): Uncertain significance (1 of 4 stars; one submission).

Allele frequency attached by ClinVar (database versions not stated): gnomAD exomes 0.00001; ExAC 0.00002.

Submission:

Labcorp Genetics (formerly Invitae), Labcorp
Classification: Uncertain significance. Last evaluated: 2023-02-06. Review status: criteria provided, single submitter. Criteria: Invitae Variant Classification Sherloc (09022015). Collection method: clinical testing. Allele origin: germline.
Comment: Algorithms developed to predict the effect of missense changes on protein structure and function (SIFT, PolyPhen-2, Align-GVGD) all suggest that this variant is likely to be disruptive. This variant has not been reported in the literature in individuals affected with DIP2C-related conditions. This variant is present in population databases (rs767505424, gnomAD 0.006%). This sequence change replaces arginine, which is basic and polar, with cysteine, which is neutral and slightly polar, at codon 802 of the DIP2C protein (p.Arg802Cys). In summary, the available evidence is currently insufficient to determine the role of this variant in disease. Therefore, it has been classified as a Variant of Uncertain Significance.

NM_014974.3(DIP2C):c.2404C>T (p.Arg802Cys)

Genes: DIP2C (DIP2 acetate--CoA ligase C (putative); minus strand), LOC126860806 (MED14-independent group 3 enhancer GRCh37_chr10:409736-410935; plus strand). Cytogenetic location: 10p15.3.
Variant type: single nucleotide variant.
Coding change: c.2404C>T on transcript NM_014974.3 (MANE Select); coding-DNA position 2404, C replaced by T.
Protein change: p.Arg802Cys; replaces arginine 802 with cysteine.
Molecular consequence: missense variant.
Genome position (GRCh38, 1-based): chr10:364,447, G>A on the plus strand (C>T on the coding strand, the complement: DIP2C is on the minus strand). VCF-style: chr10-364447-G-A. GRCh37 (hg19) VCF-style: chr10-410387-G-A.
Other names: short protein forms R802C.
Identifiers: ClinVar variation 3009836 (VCV003009836.3), dbSNP rs767505424, ClinGen allele CA5380448.